The following is an entry in ClinVar:

NM_001042492.3(NF1):c.3132C>A (p.Tyr1044Ter)

Gene: NF1 (neurofibromin 1; plus strand). Cytogenetic location: 17q11.2.
Variant type: single nucleotide variant.
Coding change: c.3132C>A on transcript NM_001042492.3 (MANE Select); coding-DNA position 3132, C replaced by A.
Protein change: p.Tyr1044Ter; replaces tyrosine 1044 with a stop codon.
Molecular consequence: nonsense.
Genome position (GRCh38, 1-based): chr17:31,230,860, C>A. VCF-style: chr17-31230860-C-A. GRCh37 (hg19) VCF-style: chr17-29557878-C-A.
Other names: c.3132C>A, p.Tyr1044Ter (NM_000267.4); short protein forms Y1044*.
Identifiers: ClinVar variation 1366138 (VCV001366138.10), dbSNP rs779047683, ClinGen allele CA398987929.

ClinVar aggregate classification (germline): Pathogenic. Review status: criteria provided, multiple submitters, no conflicts (2 of 4 stars). 3 submissions from 3 submitters: Pathogenic (3). Last evaluated 2025-11-13.

Conditions:
Neurofibromatosis, type 1 (NF1). Also called: NEUROFIBROMATOSIS, TYPE I, SOMATIC; VON RECKLINGHAUSEN DISEASE; Peripheral type neurofibromatosis; Neurofibromatosis, type I. Identifiers: Orphanet 636, MedGen C0027831, MONDO:0018975, OMIM 162200. Disease mechanism: loss of function.

Submissions (3):

Hema, HEMA – Genetic and Molecular Diagnostic Laboratory
Classification: Pathogenic for Neurofibromatosis, type 1. Last evaluated: 2025-11-13. Review status: criteria provided, single submitter. Criteria: HEMA Variant Classification Assertion Criteria. Collection method: clinical testing. Allele origin: germline.
Comment: The c.3132C>A variant is a transversion from cytosine to adenine that introduces a premature stop codon at position 1044 of NF1. PVS1: Null variant (nonsense) in a gene for which loss of function is a known disease mechanism. It is a nonsense variant that introduces a premature stop codon in exon 24/58, which is predicted to result in nonsense-mediated decay (NMD) of the transcript. PM2_Supporting: Absent in the gnomAD v4.1.0 database. PP4_Moderate: The variant was detected in an individual with a clinical diagnosis of neurofibromatosis type 1 (PMID: 25325900).

3billion
Classification: Pathogenic for Neurofibromatosis, type 1. Last evaluated: 2024-09-28. Review status: criteria provided, single submitter. Criteria: ACMG Guidelines, 2015. Collection method: clinical testing. Allele origin: germline. Affected: yes.
Comment: The variant is not observed in the gnomAD v4.1.0 dataset. Predicted Consequence/Location: Stop-gained (nonsense): predicted to result in a loss or disruption of normal protein function through nonsense-mediated decay (NMD) or protein truncation. Multiple pathogenic variants are reported downstream of the variant. The variant has been reported to be associated with NF1-related disorder (ClinVar ID: VCV001366138 /PMID: 25325900). Therefore, this variant is classified as Pathogenic according to the recommendation of ACMG/AMP guideline.

Labcorp Genetics (formerly Invitae), Labcorp
Classification: Pathogenic for Neurofibromatosis, type 1. Last evaluated: 2022-06-15. Review status: criteria provided, single submitter. Criteria: Invitae Variant Classification Sherloc (09022015). Collection method: clinical testing. Allele origin: germline.
Comment: This sequence change creates a premature translational stop signal (p.Tyr1044*) in the NF1 gene. It is expected to result in an absent or disrupted protein product. Loss-of-function variants in NF1 are known to be pathogenic (PMID: 10712197, 23913538). For these reasons, this variant has been classified as Pathogenic. This premature translational stop signal has been observed in individual(s) with clinical features of neurofibromatosis type 1 (PMID: 25325900). This variant is not present in population databases (gnomAD no frequency).

Literature cited by the submitters: PubMed 25325900 (cited by 3 submitters); PubMed 10712197 (cited by Labcorp Genetics (formerly Invitae), Labcorp); PubMed 23913538 (cited by Labcorp Genetics (formerly Invitae), Labcorp).